The following is an entry in ClinVar:

NM_012310.5(KIF4A):c.2498A>G (p.Gln833Arg)

Gene: KIF4A (kinesin family member 4A; plus strand). Cytogenetic location: Xq13.1.
Variant type: single nucleotide variant.
Coding change: c.2498A>G on transcript NM_012310.5 (MANE Select); coding-DNA position 2498, A replaced by G.
Protein change: p.Gln833Arg; replaces glutamine 833 with arginine.
Molecular consequence: missense variant.
Genome position (GRCh38, 1-based): chrX:70,402,574, A>G. VCF-style: chrX-70402574-A-G. GRCh37 (hg19) VCF-style: chrX-69622424-A-G.
Other names: short protein forms Q833R.
Identifiers: ClinVar variation 3366082 (VCV003366082.2).

ClinVar aggregate classification (germline): Uncertain significance (1 of 4 stars; one submission).

Submission:

GeneDx
Classification: Uncertain significance. Last evaluated: 2024-12-11. Review status: criteria provided, single submitter. Criteria: GeneDx Variant Classification Process June 2021. Collection method: clinical testing. Allele origin: germline.
Comment: In silico analysis supports that this missense variant has a deleterious effect on protein structure/function; Not observed at significant frequency in large population cohorts (gnomAD); This variant is associated with the following publications: (PMID: Wilbur2024[Abstract])